The following is an entry in ClinVar:

NM_015374.3(SUN2):c.1684C>T (p.Arg562Ter)

Genes: GTPBP1 (GTP binding protein 1; plus strand), SUN2 (Sad1 and UNC84 domain containing 2; minus strand). Cytogenetic location: 22q13.1.
Variant type: single nucleotide variant.
Coding change: c.1684C>T on transcript NM_015374.3 (MANE Select); coding-DNA position 1684, C replaced by T.
Protein change: p.Arg562Ter; replaces arginine 562 with a stop codon.
Molecular consequence: nonsense.
Genome position (GRCh38, 1-based): chr22:38,738,968, G>A on the plus strand (C>T on the coding strand, the complement: SUN2 is on the minus strand). VCF-style: chr22-38738968-G-A. GRCh37 (hg19) VCF-style: chr22-39134973-G-A.
Other names: c.1747C>T, p.Arg583Ter (NM_001199579.2); c.1684C>T, p.Arg562Ter (NM_001199580.2); short protein forms R583*, R562*.
Identifiers: ClinVar variation 644029 (VCV000644029.8), dbSNP rs1370359939, ClinGen allele CA411583764.

ClinVar aggregate classification (germline): Uncertain significance (1 of 4 stars; one submission).

Conditions:
Emery-Dreifuss muscular dystrophy (EDMD). Also called: Scapuloperoneal syndrome, X-linked (formerly); Humeroperoneal neuromuscular disease, (formerly). Identifiers: Orphanet 261, MedGen C0410189, MONDO:0016830.

Allele frequency attached by ClinVar (database versions not stated): gnomAD exomes 0.00002 and 0.00004; gnomAD 0.00006; TOPMed 0.00011.
gnomAD v4.1: 18 of 1,612,506 alleles (0.0011%); highest among the groups gnomAD compares: Admixed American, 0.028%; no homozygotes.

Submission:

Labcorp Genetics (formerly Invitae), Labcorp
Classification: Uncertain significance for Emery-Dreifuss muscular dystrophy. Last evaluated: 2023-12-18. Review status: criteria provided, single submitter. Criteria: Invitae Variant Classification Sherloc (09022015). Collection method: clinical testing. Allele origin: germline.
Comment: This sequence change creates a premature translational stop signal (p.Arg562*) in the SUN2 gene. It is expected to result in an absent or disrupted protein product. However, the current clinical and genetic evidence is not sufficient to establish whether loss-of-function variants in SUN2 cause disease. This variant is present in population databases (no rsID available, gnomAD 0.02%). This variant has not been reported in the literature in individuals affected with SUN2-related conditions. ClinVar contains an entry for this variant (Variation ID: 644029). In summary, the available evidence is currently insufficient to determine the role of this variant in disease. Therefore, it has been classified as a Variant of Uncertain Significance.